The following is an entry in ClinVar:

NM_017553.3(INO80):c.934C>T (p.His312Tyr)

Gene: INO80 (INO80 complex ATPase subunit; minus strand). Cytogenetic location: 15q15.1.
Variant type: single nucleotide variant.
Coding change: c.934C>T on transcript NM_017553.3 (MANE Select); coding-DNA position 934, C replaced by T.
Protein change: p.His312Tyr; replaces histidine 312 with tyrosine.
Molecular consequence: missense variant. On other transcripts: non-coding transcript variant (1).
Genome position (GRCh38, 1-based): chr15:41,079,898, G>A on the plus strand (C>T on the coding strand, the complement: INO80 is on the minus strand). VCF-style: chr15-41079898-G-A. GRCh37 (hg19) VCF-style: chr15-41372096-G-A.
Other names: c.934C>T (NM_017553.2); short protein forms H312Y.
Identifiers: ClinVar variation 2377277 (VCV002377277.4), dbSNP rs780868252, ClinGen allele CA7489412.

ClinVar aggregate classification (germline): Uncertain significance. Review status: criteria provided, single submitter (1 of 4 stars). 2 submissions from 2 submitters: Uncertain significance (1). 1 of the submissions does not count toward it. Last evaluated 2025-04-08.

Conditions:
INO80-related disorder. Also called: INO80-related condition.

Allele frequency attached by ClinVar (database versions not stated): gnomAD exomes 0.00001; TOPMed 0.00001; ExAC 0.00001; gnomAD 0.00001.
gnomAD v4.1: 28 of 1,613,760 alleles (0.0017%); highest among the groups gnomAD compares: African/African-American, 0.0027%; 1 homozygote.

Submissions (2):

Ambry Genetics
Classification: Uncertain significance. Last evaluated: 2025-04-08. Review status: criteria provided, single submitter. Criteria: Ambry Variant Classification Scheme 2023. Collection method: clinical testing. Allele origin: germline.

PreventionGenetics, part of Exact Sciences
Classification: Uncertain significance for INO80-related condition. Last evaluated: 2024-04-10. Review status: no assertion criteria provided. Collection method: clinical testing. Allele origin: germline. Not counted in ClinVar's aggregate classification.
Comment: The INO80 c.934C>T variant is predicted to result in the amino acid substitution p.His312Tyr. To our knowledge, this variant has not been reported in the literature. This variant is reported in 0.0018% of alleles in individuals of European (Non-Finnish) descent in gnomAD. At this time, the clinical significance of this variant is uncertain due to the absence of conclusive functional and genetic evidence.